The following is an entry in ClinVar:

ClinVar aggregate classification (germline): Uncertain significance (1 of 4 stars; one submission).

Allele frequency attached by ClinVar (database versions not stated): gnomAD exomes 0.00001.
gnomAD v4.1: 6 of 1,201,892 alleles (0.0005%); highest among the groups gnomAD compares: Non-Finnish European, 0.00068%; no homozygotes.

Submission:

Greenwood Genetic Center Diagnostic Laboratories, Greenwood Genetic Center
Classification: Uncertain significance. Last evaluated: 2023-06-29. Review status: criteria provided, single submitter. Criteria: ACMG Guidelines, 2015. Collection method: clinical testing. Allele origin: germline. Affected: yes.
Comment: PM2, PP2

NM_031407.7(HUWE1):c.559C>G (p.His187Asp)

Gene: HUWE1 (HECT, UBA and WWE domain containing E3 ubiquitin protein ligase 1; minus strand). Cytogenetic location: Xp11.22.
Variant type: single nucleotide variant.
Coding change: c.559C>G on transcript NM_031407.7 (MANE Select); coding-DNA position 559, C replaced by G.
Protein change: p.His187Asp; replaces histidine 187 with aspartic acid.
Molecular consequence: missense variant.
Genome position (GRCh38, 1-based): chrX:53,634,244, G>C on the plus strand (C>G on the coding strand, the complement: HUWE1 is on the minus strand). VCF-style: chrX-53634244-G-C. GRCh37 (hg19) VCF-style: chrX-53661196-G-C.
Other names: short protein forms H187D.
Identifiers: ClinVar variation 2572310 (VCV002572310.1), dbSNP rs1247481031, ClinGen allele CA413161913.